The following is an entry in ClinVar:

ClinVar aggregate classification (germline): Uncertain significance. Review status: criteria provided, multiple submitters, no conflicts (2 of 4 stars). 2 submissions from 2 submitters: Uncertain significance (2). Last evaluated 2022-12-01.

Conditions:
Inborn genetic diseases. Identifiers: MedGen C0950123, MeSH D030342.

Allele frequency attached by ClinVar (database versions not stated): gnomAD 0.00001; gnomAD exomes 0.00001; TOPMed 0.00001; ExAC 0.00002.
gnomAD v4.1: 11 of 1,612,988 alleles (0.00068%); highest among the groups gnomAD compares: Admixed American, 0.0017%; no homozygotes.

Submissions (2):

Ambry Genetics
Classification: Uncertain significance for Inborn genetic diseases. Last evaluated: 2022-12-01. Review status: criteria provided, single submitter. Criteria: Ambry Variant Classification Scheme 2023. Collection method: clinical testing. Allele origin: germline.

Labcorp Genetics (formerly Invitae), Labcorp
Classification: Uncertain significance. Last evaluated: 2022-11-17. Review status: criteria provided, single submitter. Criteria: Invitae Variant Classification Sherloc (09022015). Collection method: clinical testing. Allele origin: germline.
Comment: In summary, the available evidence is currently insufficient to determine the role of this variant in disease. Therefore, it has been classified as a Variant of Uncertain Significance. Advanced modeling of protein sequence and biophysical properties (such as structural, functional, and spatial information, amino acid conservation, physicochemical variation, residue mobility, and thermodynamic stability) performed at Invitae indicates that this missense variant is not expected to disrupt ROBO2 protein function. This variant has not been reported in the literature in individuals affected with ROBO2-related conditions. This variant is present in population databases (rs750498119, gnomAD 0.006%). This sequence change replaces isoleucine, which is neutral and non-polar, with methionine, which is neutral and non-polar, at codon 1180 of the ROBO2 protein (p.Ile1180Met).

NM_001395656.1(ROBO2):c.3552A>G (p.Ile1184Met)

Gene: ROBO2 (roundabout guidance receptor 2; plus strand). Cytogenetic location: 3p12.3.
Variant type: single nucleotide variant.
Coding change: c.3552A>G on transcript NM_001395656.1 (MANE Select); coding-DNA position 3552, A replaced by G.
Protein change: p.Ile1184Met; replaces isoleucine 1184 with methionine.
Molecular consequence: missense variant.
Genome position (GRCh38, 1-based): chr3:77,617,759, A>G. VCF-style: chr3-77617759-A-G. GRCh37 (hg19) VCF-style: chr3-77666910-A-G.
Other names: c.3588A>G, p.Ile1196Met (NM_001128929.3); c.3552A>G, p.Ile1184Met (NM_001290039.2, NM_001290040.2); c.1761A>G, p.Ile587Met (NM_001290065.2); c.3600A>G, p.Ile1200Met (NM_001378190.1, NM_001378200.1, NM_001378201.1 and 1 more transcripts); c.3726A>G, p.Ile1242Met (NM_001378191.1, NM_001378195.1, NM_001378196.1); c.3621A>G, p.Ile1207Met (NM_001378192.1, NM_001378198.1, NM_001378199.1); c.3540A>G, p.Ile1180Met (NM_001378193.1, NM_002942.5); c.3738A>G, p.Ile1246Met (NM_001378194.1); and 5 more; short protein forms I1181M, I1200M, I1222M, I587M, I1184M, I1242M, I1246M, I1180M.
Identifiers: ClinVar variation 2356269 (VCV002356269.5), dbSNP rs750498119, ClinGen allele CA2497670.